The following is an entry in ClinVar:

NM_004946.3(DOCK2):c.5471A>C (p.Asp1824Ala)

Gene: DOCK2 (dedicator of cytokinesis 2; plus strand). Cytogenetic location: 5q35.1.
Variant type: single nucleotide variant.
Coding change: c.5471A>C on transcript NM_004946.3 (MANE Select); coding-DNA position 5471, A replaced by C.
Protein change: p.Asp1824Ala; replaces aspartic acid 1824 with alanine.
Molecular consequence: missense variant. On other transcripts: non-coding transcript variant (1).
Genome position (GRCh38, 1-based): chr5:170,082,836, A>C. VCF-style: chr5-170082836-A-C. GRCh37 (hg19) VCF-style: chr5-169509840-A-C.
Other names: short protein forms D1824A.
Identifiers: ClinVar variation 1010623 (VCV001010623.8), dbSNP rs1758081318, ClinGen allele CA362120036.

ClinVar aggregate classification (germline): Uncertain significance (1 of 4 stars; one submission).

Conditions:
DOCK2 deficiency. Also called: Immunodeficiency 40. Identifiers: Orphanet 447737, MedGen C4225328, MONDO:0014637, OMIM 616433.

Submission:

Labcorp Genetics (formerly Invitae), Labcorp
Classification: Uncertain significance for DOCK2 deficiency. Last evaluated: 2020-05-20. Review status: criteria provided, single submitter. Criteria: Invitae Variant Classification Sherloc (09022015). Collection method: clinical testing. Allele origin: germline.
Comment: Algorithms developed to predict the effect of missense changes on protein structure and function (SIFT, PolyPhen-2, Align-GVGD) all suggest that this variant is likely to be tolerated, but these predictions have not been confirmed by published functional studies and their clinical significance is uncertain. This variant has not been reported in the literature in individuals with DOCK2-related conditions. This variant is not present in population databases (ExAC no frequency). This sequence change replaces aspartic acid with alanine at codon 1824 of the DOCK2 protein (p.Asp1824Ala). The aspartic acid residue is weakly conserved and there is a moderate physicochemical difference between aspartic acid and alanine. In summary, the available evidence is currently insufficient to determine the role of this variant in disease. Therefore, it has been classified as a Variant of Uncertain Significance.